The following is an entry in ClinVar:

NM_015046.7(SETX):c.3370A>G (p.Thr1124Ala)

Gene: SETX (senataxin; minus strand). Cytogenetic location: 9q34.13.
Variant type: single nucleotide variant.
Coding change: c.3370A>G on transcript NM_015046.7 (MANE Select); coding-DNA position 3370, A replaced by G.
Protein change: p.Thr1124Ala; replaces threonine 1124 with alanine.
Molecular consequence: missense variant.
Genome position (GRCh38, 1-based): chr9:132,328,228, T>C on the plus strand (A>G on the coding strand, the complement: SETX is on the minus strand). VCF-style: chr9-132328228-T-C. GRCh37 (hg19) VCF-style: chr9-135203615-T-C.
Other names: c.3370A>G, p.Thr1124Ala (NM_001351527.2, NM_001351528.2); short protein forms T1124A.
Identifiers: ClinVar variation 1405089 (VCV001405089.8), dbSNP rs866546546, ClinGen allele CA200811390.
Genomic context (GRCh38, chr9:132,328,228, plus strand): 5'-GTCTTGTGTGTTCTTCAATGCCCTCTGCTCCTTTTTTAACAACTTCAGATACATAATCTG[T>C]ACAACCCTGACCATTTGTAGTATTGGCTATAGGAGCCAAACATTTTTTCTCACCATCTTG-3'
Protein context (NP_055861.3, residues 1114-1134): IANTTNGQGC[Thr1124Ala]DYVSEVVKKG

ClinVar aggregate classification (germline): Uncertain significance (1 of 4 stars; one submission).

Conditions:
Spinocerebellar ataxia, autosomal recessive, with axonal neuropathy 2 (SCAN2). Also called: Ataxia with Oculomotor Apraxia Type 2; Ataxia-ocular apraxia-2; Ataxia with Oculomotor Apraxia; ATAXIA-OCULOMOTOR APRAXIA 2. Identifiers: Orphanet 64753, MedGen C1853761, MONDO:0018996, OMIM 606002.
Amyotrophic lateral sclerosis type 4 (ALS4). Also called: AMYOTROPHIC LATERAL SCLEROSIS 4, JUVENILE; NEURONOPATHY, DISTAL HEREDITARY MOTOR, WITH PYRAMIDAL FEATURES. Identifiers: Orphanet 357043, MedGen C1865409, MONDO:0011223, OMIM 602433.

Submission:

Labcorp Genetics (formerly Invitae), Labcorp
Classification: Uncertain significance for Amyotrophic lateral sclerosis type 4; Spinocerebellar ataxia, autosomal recessive, with axonal neuropathy 2. Last evaluated: 2021-01-25. Review status: criteria provided, single submitter. Criteria: Invitae Variant Classification Sherloc (09022015). Collection method: clinical testing. Allele origin: germline.
Comment: In summary, the available evidence is currently insufficient to determine the role of this variant in disease. Therefore, it has been classified as a Variant of Uncertain Significance. Advanced modeling of protein sequence and biophysical properties (such as structural, functional, and spatial information, amino acid conservation, physicochemical variation, residue mobility, and thermodynamic stability) performed at Invitae indicates that this missense variant is not expected to disrupt SETX protein function. This variant has not been reported in the literature in individuals with SETX-related conditions. This variant is not present in population databases (ExAC no frequency). This sequence change replaces threonine with alanine at codon 1124 of the SETX protein (p.Thr1124Ala). The threonine residue is weakly conserved and there is a small physicochemical difference between threonine and alanine.